The following is an entry in ClinVar:

ClinVar aggregate classification (germline): Likely pathogenic (1 of 4 stars; one submission).

Conditions:
Neurofibromatosis, type 1 (NF1). Also called: Neurofibromatosis, type I; Peripheral type neurofibromatosis; VON RECKLINGHAUSEN DISEASE; NEUROFIBROMATOSIS, TYPE I, SOMATIC. Identifiers: Orphanet 636, MedGen C0027831, MONDO:0018975, OMIM 162200. Disease mechanism: loss of function.

Submission:

Regional Center For Medical Genetics Timis, Louis Turcanu Emergency Hospital for Children Timisoara
Classification: Likely pathogenic for Neurofibromatosis, type 1. Last evaluated: 2025-07-16. Review status: criteria provided, single submitter. Criteria: ACMG Guidelines, 2015. Collection method: clinical testing. Allele origin: germline. Affected: yes.
Comment: The variant is absent from the presumed healthy population (gnomAD v4.1.0; good local coverage; PM2_Supporting). In silico predictions indicate partial loss of the adjacent donor splice site, with possible leaky exon skipping (exon 22) and generation of a subset of frameshift transcripts. A pathogenic variant at the same position, c.2990+5G>A, has similar in silico predictions to the identified variant, c.2990+5G>T (PP3, PS1). To our knowledge, this variant has not been previously reported in the literature and has not been submitted to ClinVar by other laboratories. Based on the available evidence, this variant is classified as likely pathogenic.

NM_001042492.3(NF1):c.2990+5G>T

Gene: NF1 (neurofibromin 1; plus strand). Cytogenetic location: 17q11.2.
Variant type: single nucleotide variant.
Coding change: c.2990+5G>T on transcript NM_001042492.3 (MANE Select); 5 bases into the intron after coding-DNA position 2990, G replaced by T.
Molecular consequence: intron variant.
Genome position (GRCh38, 1-based): chr17:31,229,979, G>T. VCF-style: chr17-31229979-G-T. GRCh37 (hg19) VCF-style: chr17-29556997-G-T.
Other names: c.2990+5G>T (NM_000267.4).
Identifiers: ClinVar variation 4526647 (VCV004526647.1).
Genomic context (GRCh38, chr17:31,229,979, plus strand): 5'-AGCTCTGAACATCTAGGGCAAGCTAGCATTGAAACAATGATGTTAAATCTGGTCAGGTAA[G>T]CATTCTACTGAAATGTAGCAGAAACATTTTAAGAGATAAGAAAAACCTCTTACACACTGA-3'